The following is an entry in ClinVar:

NM_000271.5(NPC1):c.542C>A (p.Ala181Asp)

Gene: NPC1 (NPC intracellular cholesterol transporter 1; minus strand). Cytogenetic location: 18q11.2.
Variant type: single nucleotide variant.
Coding change: c.542C>A on transcript NM_000271.5 (MANE Select); coding-DNA position 542, C replaced by A.
Protein change: p.Ala181Asp; replaces alanine 181 with aspartic acid.
Molecular consequence: missense variant.
Genome position (GRCh38, 1-based): chr18:23,561,449, G>T on the plus strand (C>A on the coding strand, the complement: NPC1 is on the minus strand). VCF-style: chr18-23561449-G-T. GRCh37 (hg19) VCF-style: chr18-21141413-G-T.
Other names: short protein forms A181D.
Identifiers: ClinVar variation 3768099 (VCV003768099.1).

ClinVar aggregate classification (germline): Uncertain significance (1 of 4 stars; one submission).

Submission:

Women's Health and Genetics/Laboratory Corporation of America, LabCorp
Classification: Uncertain significance. Last evaluated: 2024-12-12. Review status: criteria provided, single submitter. Criteria: LabCorp Variant Classification Summary - May 2015. Collection method: clinical testing. Allele origin: germline.
Comment: Variant summary: NPC1 c.542C>A (p.Ala181Asp) results in a non-conservative amino acid change located in the Niemann-Pick C1 N terminus domain (IPR032190) of the encoded protein sequence. Five of five in-silico tools predict a damaging effect of the variant on protein function. The variant was absent in 251478 control chromosomes. The available data on variant occurrences in the general population are insufficient to allow any conclusion about variant significance. c.542C>A has been reported in the literature in at least one compound heterozygous individual affected with Niemann-Pick Disease Type C (Abtahi_2022). These data do not allow any conclusion about variant significance. To our knowledge, no experimental evidence demonstrating an impact on protein function has been reported. The following publication has been ascertained in the context of this evaluation (PMID: 35086560). No submitters have cited clinical-significance assessments for this variant to ClinVar. Based on the evidence outlined above, the variant was classified as uncertain significance.

Literature cited by the submitters: PubMed 35086560.